The following is an entry in ClinVar:

ClinVar aggregate classification (germline): other (0 of 4 stars; one submission).

Conditions:
Familial colorectal cancer. Identifiers: MedGen CN280943, MONDO:0023113. Disease mechanism: loss of function.

Submission:

Systems Biology Platform Zhejiang California International NanoSystems Institute
Classification: other for Familial colorectal cancer. Review status: no assertion criteria provided. Collection method: not provided. Allele origin: unknown.
ClinVar note: Converted during submission from cancer to other.

NM_000038.6(APC):c.1408+295C>A

Gene: APC (APC regulator of WNT signaling pathway; plus strand). Cytogenetic location: 5q22.2.
Variant type: single nucleotide variant.
Coding change: c.1408+295C>A on transcript NM_000038.6 (MANE Select); 295 bases into the intron after coding-DNA position 1408, C replaced by A.
Molecular consequence: intron variant.
Genome position (GRCh38, 1-based): chr5:112,822,286, C>A. VCF-style: chr5-112822286-C-A. GRCh37 (hg19) VCF-style: chr5-112157983-C-A.
Other names: c.1408+295C>A (NM_001354895.2, NM_001127510.3, NM_001354896.2); c.1438+295C>A (NM_001354897.2); c.1135+295C>A (NM_001354902.2); c.1354+295C>A (NM_001127511.3); c.1333+295C>A (NM_001354898.2); c.1030+295C>A (NM_001354904.2); c.559+295C>A (NM_001354906.2); c.1105+295C>A (NM_001354903.2); and 3 more.
Identifiers: ClinVar variation 83135 (VCV000083135.2), dbSNP rs76628974, ClinGen allele CA004939.
Genomic context (GRCh38, chr5:112,822,286, plus strand): 5'-AAAATCGAAGCCGGAGATTGAAAAAAAATGACAAAATGGGTCACTCTTTGTCCCTTTTGC[C>A]AAAGTAGACTCTATATGTGCCAGCTGATGAGGATGGTAATTTGAATTATTTTGAAATGTG-3'